The following is an entry in ClinVar:

ClinVar aggregate classification (germline): Likely benign (0 of 4 stars; one submission).

Conditions:
SETX-related disorder. Also called: SETX-related condition; SETX-related disorders. Identifiers: MedGen CN239403.

gnomAD v4.1: 2 of 1,614,010 alleles (0.00012%); highest among the groups gnomAD compares: East Asian, 0.0022%; no homozygotes.

Submission:

PreventionGenetics, part of Exact Sciences
Classification: Likely benign for SETX-related condition. Last evaluated: 2024-07-30. Review status: no assertion criteria provided. Collection method: clinical testing. Allele origin: germline.
Comment: This variant is classified as likely benign based on ACMG/AMP sequence variant interpretation guidelines (Richards et al. 2015 PMID: 25741868, with internal and published modifications).

NM_015046.7(SETX):c.3066T>C (p.Asp1022=)

Gene: SETX (senataxin; minus strand). Cytogenetic location: 9q34.13.
Variant type: single nucleotide variant.
Coding change: c.3066T>C on transcript NM_015046.7 (MANE Select); coding-DNA position 3066, T replaced by C.
Protein change: p.Asp1022=; no amino-acid change (aspartic acid 1022 retained).
Molecular consequence: synonymous variant.
Genome position (GRCh38, 1-based): chr9:132,328,532, A>G on the plus strand (T>C on the coding strand, the complement: SETX is on the minus strand). VCF-style: chr9-132328532-A-G. GRCh37 (hg19) VCF-style: chr9-135203919-A-G.
Other names: c.3066T>C, p.Asp1022= (NM_001351527.2, NM_001351528.2).
Identifiers: ClinVar variation 3345042 (VCV003345042.1).
Genomic context (GRCh38, chr9:132,328,532, plus strand): 5'-CTCAAGGCATATTTTGTCCTGTTTAGTGAGTTTCTCAAGACTCAGGATTCTTTCATCATC[A>G]TCATCATCAGAATCTGAAATAATAATAACCTGTCCACGGGAGGTATCTCCAACATTATTT-3'
Protein context (NP_055861.3, residues 1012-1032): QVIIISDSDD[Asp1022=]DDERILSLEK